The following is an entry in ClinVar:

ClinVar aggregate classification (germline): Uncertain significance (1 of 4 stars; one submission).

Conditions:
Bardet-Biedl syndrome (BBS). Identifiers: Orphanet 110, MedGen C0752166, MONDO:0015229.

Allele frequency attached by ClinVar (database versions not stated): gnomAD exomes below 0.00001; TOPMed below 0.00001; ExAC 0.00001; gnomAD 0.00001.
gnomAD v4.1: 4 of 1,614,132 alleles (0.00025%); highest among the groups gnomAD compares: African/African-American, 0.004%; no homozygotes.

Submission:

Labcorp Genetics (formerly Invitae), Labcorp
Classification: Uncertain significance for Bardet-Biedl syndrome. Last evaluated: 2022-07-17. Review status: criteria provided, single submitter. Criteria: Invitae Variant Classification Sherloc (09022015). Collection method: clinical testing. Allele origin: germline.
Comment: This sequence change replaces glutamic acid, which is acidic and polar, with alanine, which is neutral and non-polar, at codon 288 of the BBS12 protein (p.Glu288Ala). This variant is present in population databases (rs754293872, gnomAD 0.003%). This variant has not been reported in the literature in individuals affected with BBS12-related conditions. Algorithms developed to predict the effect of missense changes on protein structure and function output the following: SIFT: "Tolerated"; PolyPhen-2: "Benign"; Align-GVGD: "Class C0". The alanine amino acid residue is found in multiple mammalian species, which suggests that this missense change does not adversely affect protein function. In summary, the available evidence is currently insufficient to determine the role of this variant in disease. Therefore, it has been classified as a Variant of Uncertain Significance.

NM_152618.3(BBS12):c.863A>C (p.Glu288Ala)

Gene: BBS12 (Bardet-Biedl syndrome 12; plus strand). Cytogenetic location: 4q27.
Variant type: single nucleotide variant.
Coding change: c.863A>C on transcript NM_152618.3 (MANE Select); coding-DNA position 863, A replaced by C.
Protein change: p.Glu288Ala; replaces glutamic acid 288 with alanine.
Molecular consequence: missense variant.
Genome position (GRCh38, 1-based): chr4:122,742,755, A>C. VCF-style: chr4-122742755-A-C. GRCh37 (hg19) VCF-style: chr4-123663910-A-C.
Other names: c.863A>C, p.Glu288Ala (NM_001178007.2); short protein forms E288A.
Identifiers: ClinVar variation 2078762 (VCV002078762.1), dbSNP rs754293872, ClinGen allele CA3069341.